The following is an entry in ClinVar:

NM_002693.3(POLG):c.3609_3612dup (p.Gly1205fs)

Gene: POLG (DNA polymerase gamma, catalytic subunit; minus strand). Cytogenetic location: 15q26.1.
Variant type: Duplication.
Coding change: c.3609_3612dup on transcript NM_002693.3 (MANE Select); coding-DNA positions 3609 to 3612, 4 bases duplicated (AACT; older notation c.3609_3612dupAACT).
Protein change: p.Gly1205fs; shifts the reading frame from glycine 1205.
Molecular consequence: frameshift variant.
Genome position (GRCh38, 1-based): chr15:89,317,407-89,317,410, AGTT duplicated on the plus strand (AACT on the coding strand, the reverse complement: POLG is on the minus strand). VCF-style (leftmost placement, unchanged base first): chr15-89317406-C-CAGTT. GRCh37 (hg19) VCF-style: chr15-89860637-C-CAGTT.
Other names: NM_002693.2(POLG):c.3609_3612dup; p.Gly1205fs; c.3609_3612dup, p.Gly1205fs (NM_001126131.2); short protein forms G1205fs.
Identifiers: ClinVar variation 285869 (VCV000285869.11), dbSNP rs886043241, ClinGen allele CA10605281.

ClinVar aggregate classification (germline): Likely pathogenic. Review status: reviewed by expert panel (3 of 4 stars). 4 submissions from 4 submitters: Likely pathogenic (1). 3 of the submissions do not count toward it. Last evaluated 2021-05-06.

Conditions:
Mitochondrial disease. Also called: Mitochondrial disorders; Mitochondrial disorder. Identifiers: Orphanet 68380, MedGen C0751651, MeSH D028361, MONDO:0044970.
Progressive sclerosing poliodystrophy (MTDPS4A). Also called: NEURONAL DEGENERATION OF CHILDHOOD WITH LIVER DISEASE, PROGRESSIVE; ALPERS PROGRESSIVE INFANTILE POLIODYSTROPHY; Alpers Syndrome; Mitochondrial DNA Depletion Syndrome 4A; Mitochondrial DNA depletion syndrome 4A (Alpers type); Alpers-Huttenlocher Syndrome (AHS). Identifiers: Orphanet 726, MedGen C0205710, MONDO:0008758, OMIM 203700.

Allele frequency attached by ClinVar (database versions not stated): gnomAD exomes below 0.00001; TOPMed 0.00001.

Submissions (4):

ClinGen Mitochondrial Disease Nuclear and Mitochondrial  Variant Curation Expert Panel, ClinGen
Classification: Likely pathogenic for Mitochondrial disease. Last evaluated: 2021-05-06. Review status: reviewed by expert panel. Criteria: clingen mito disease acmg specifications v1-1. Collection method: curation. Allele origin: germline. Inheritance: Autosomal recessive inheritance.
Comment: The c.3609_3612dup (p.Gly1205AsnfsTer13) variant in POLG was not in any databases (PM2). This variant results in a frameshift causing a loss of function (PVS1). There are no publications of cases with this variant. In summary, this variant meets criteria to be classified as likely pathogenic for mitochondrial disease inherited in an autosomal recessive manner. ntDNA ACMG/AMP criteria for POLG applied: PVS1, PM2

Labcorp Genetics (formerly Invitae), Labcorp
Classification: Pathogenic for Progressive sclerosing poliodystrophy. Last evaluated: 2024-09-28. Review status: criteria provided, single submitter. Criteria: Invitae Variant Classification Sherloc (09022015). Collection method: clinical testing. Allele origin: germline. Not counted in ClinVar's aggregate classification.
Comment: This sequence change creates a premature translational stop signal (p.Gly1205Asnfs*13) in the POLG gene. While this is not anticipated to result in nonsense mediated decay, it is expected to disrupt the last 35 amino acid(s) of the POLG protein. This variant is not present in population databases (gnomAD no frequency). This variant has not been reported in the literature in individuals affected with POLG-related conditions. ClinVar contains an entry for this variant (Variation ID: 285869). This variant disrupts a region of the POLG protein in which other variant(s) (p.Tyr1210*) have been determined to be pathogenic (PMID: 20691285, 30385167, 30423451). This suggests that this is a clinically significant region of the protein, and that variants that disrupt it are likely to be disease-causing. For these reasons, this variant has been classified as Pathogenic.

Baylor Genetics
Classification: Likely pathogenic for Progressive sclerosing poliodystrophy. Last evaluated: 2023-04-29. Review status: criteria provided, single submitter. Criteria: ACMG Guidelines, 2015. Collection method: clinical testing. Allele origin: unknown. Not counted in ClinVar's aggregate classification.

Eurofins Ntd Llc (ga)
Classification: Pathogenic. Last evaluated: 2016-02-08. Review status: criteria provided, single submitter. Criteria: EGL Classification Definitions. Collection method: clinical testing. Allele origin: germline. Observed: 1 variant allele, 1 heterozygote. Not counted in ClinVar's aggregate classification.

Literature cited by the submitters: PubMed 20691285 (cited by Labcorp Genetics (formerly Invitae), Labcorp); PubMed 30385167 (cited by Labcorp Genetics (formerly Invitae), Labcorp); PubMed 30423451 (cited by Labcorp Genetics (formerly Invitae), Labcorp).